The following is an entry in ClinVar:

ClinVar aggregate classification (germline): Uncertain significance (1 of 4 stars; one submission).

Conditions:
Epilepsy, childhood absence, susceptibility to, 1. Also called: Epilepsy, childhood absence 1. Identifiers: Orphanet 64280, MedGen C1838604, MONDO:0020759, OMIM 600131.
Epilepsy, childhood absence, susceptibility to, 5. Identifiers: Orphanet 64280, MedGen C2677087, MONDO:0012843, OMIM 612269.

Submission:

Labcorp Genetics (formerly Invitae), Labcorp
Classification: Uncertain significance for Epilepsy, childhood absence, susceptibility to, 5; Epilepsy, childhood absence, susceptibility to, 1. Last evaluated: 2024-09-26. Review status: criteria provided, single submitter. Criteria: Invitae Variant Classification Sherloc (09022015). Collection method: clinical testing. Allele origin: germline.
Comment: This sequence change replaces isoleucine, which is neutral and non-polar, with methionine, which is neutral and non-polar, at codon 393 of the GABRB3 protein (p.Ile393Met). This variant is not present in population databases (gnomAD no frequency). This variant has not been reported in the literature in individuals affected with GABRB3-related conditions. Invitae Evidence Modeling of protein sequence and biophysical properties (such as structural, functional, and spatial information, amino acid conservation, physicochemical variation, residue mobility, and thermodynamic stability) indicates that this missense variant is not expected to disrupt GABRB3 protein function with a negative predictive value of 95%. In summary, the available evidence is currently insufficient to determine the role of this variant in disease. Therefore, it has been classified as a Variant of Uncertain Significance.

NM_000814.6(GABRB3):c.1179A>G (p.Ile393Met)

Gene: GABRB3 (gamma-aminobutyric acid type A receptor subunit beta3; minus strand). Cytogenetic location: 15q12.
Variant type: single nucleotide variant.
Coding change: c.1179A>G on transcript NM_000814.6 (MANE Select); coding-DNA position 1179, A replaced by G.
Protein change: p.Ile393Met; replaces isoleucine 393 with methionine.
Molecular consequence: missense variant.
Genome position (GRCh38, 1-based): chr15:26,548,036, T>C on the plus strand (A>G on the coding strand, the complement: GABRB3 is on the minus strand). VCF-style: chr15-26548036-T-C. GRCh37 (hg19) VCF-style: chr15-26793183-T-C.
Other names: c.924A>G, p.Ile308Met (NM_001191320.2, NM_001278631.2); c.966A>G, p.Ile322Met (NM_001191321.3); c.1179A>G, p.Ile393Met (NM_021912.5); short protein forms I308M, I322M, I393M.
Identifiers: ClinVar variation 3749669 (VCV003749669.2).